The following is an entry in ClinVar:

NM_002485.5(NBN):c.28C>A (p.Pro10Thr)

Gene: NBN (nibrin; minus strand). Cytogenetic location: 8q21.3.
Variant type: single nucleotide variant.
Coding change: c.28C>A on transcript NM_002485.5 (MANE Select); coding-DNA position 28, C replaced by A.
Protein change: p.Pro10Thr; replaces proline 10 with threonine.
Molecular consequence: missense variant. On other transcripts: 5 prime UTR variant (1).
Genome position (GRCh38, 1-based): chr8:89,984,534, G>T on the plus strand (C>A on the coding strand, the complement: NBN is on the minus strand). VCF-style: chr8-89984534-G-T. GRCh37 (hg19) VCF-style: chr8-90996762-G-T.
Other names: c.-269C>A (NM_001024688.3); short protein forms P10T.
Identifiers: ClinVar variation 630226 (VCV000630226.15), dbSNP rs758228844, ClinGen allele CA4803102.

ClinVar aggregate classification (germline): Uncertain significance. Review status: criteria provided, multiple submitters, no conflicts (2 of 4 stars). 4 submissions from 4 submitters: Uncertain significance (4). Last evaluated 2026-08-08.

Conditions:
Microcephaly, normal intelligence and immunodeficiency (NBS). Also called: Microcephaly with normal intelligence immunodeficiency and lymphoreticular malignancies; Nonsyndromal microcephaly autosomal recessive with normal intelligence; Seemanova syndrome 2; IMMUNODEFICIENCY, MICROCEPHALY, AND CHROMOSOMAL INSTABILITY; BERLIN BREAKAGE SYNDROME; SEEMANOVA SYNDROME II. Identifiers: Orphanet 647, MedGen C0398791, MONDO:0009623, OMIM 251260.
Hereditary cancer-predisposing syndrome. Also called: Neoplastic Syndromes, Hereditary; Hereditary Cancer Syndrome; Hereditary neoplastic syndrome; Tumor predisposition. Identifiers: Orphanet 140162, MedGen C0027672, MeSH D009386, MONDO:0015356.

Allele frequency attached by ClinVar (database versions not stated): gnomAD exomes below 0.00001; ExAC 0.00001.
gnomAD v4.1: 1 of 1,613,124 alleles (0.000062%); highest among the groups gnomAD compares: Non-Finnish European, 0.000085%; no homozygotes.

Submissions (4):

Ambry Genetics
Classification: Uncertain significance for Hereditary cancer-predisposing syndrome. Last evaluated: 2026-08-08. Review status: criteria provided, single submitter. Criteria: Ambry Variant Classification Scheme 2023. Collection method: clinical testing. Allele origin: germline.
Comment: The p.P10T variant (also known as c.28C>A), located in coding exon 1 of the NBN gene, results from a C to A substitution at nucleotide position 28. The proline at codon 10 is replaced by threonine, an amino acid with highly similar properties. This amino acid position is conserved. In addition, this alteration is predicted to be tolerated by in silico analysis. Based on the available evidence, the clinical significance of this variant remains unclear.

Praxis Für Humangenetik, Biosciencia MVZ Labor Saar
Classification: Uncertain significance for Hereditary cancer-predisposing syndrome. Last evaluated: 2025-12-17. Review status: criteria provided, single submitter. Criteria: ACMG Guidelines, 2015. Collection method: clinical testing. Allele origin: germline. Affected: no.
Comment: PM2, BP4

Labcorp Genetics (formerly Invitae), Labcorp
Classification: Uncertain significance for Microcephaly, normal intelligence and immunodeficiency. Last evaluated: 2025-11-30. Review status: criteria provided, single submitter. Criteria: Invitae Variant Classification Sherloc (09022015). Collection method: clinical testing. Allele origin: germline.
Comment: This sequence change replaces proline, which is neutral and non-polar, with threonine, which is neutral and polar, at codon 10 of the NBN protein (p.Pro10Thr). This variant is present in population databases (rs758228844, gnomAD no frequency). This variant has not been reported in the literature in individuals affected with NBN-related conditions. ClinVar contains an entry for this variant (Variation ID: 630226). An algorithm developed to predict the effect of missense changes on protein structure and function (PolyPhen-2) suggests that this variant is likely to be tolerated. In summary, the available evidence is currently insufficient to determine the role of this variant in disease. Therefore, it has been classified as a Variant of Uncertain Significance.

Genome-Nilou Lab
Classification: Uncertain significance for Microcephaly, normal intelligence and immunodeficiency. Last evaluated: 2021-11-07. Review status: criteria provided, single submitter. Criteria: ACMG Guidelines, 2015. Collection method: clinical testing. Allele origin: germline. Affected: no.